The following is an entry in ClinVar:

ClinVar aggregate classification (germline): Uncertain significance (1 of 4 stars; one submission).

Conditions:
Mowat-Wilson syndrome (MOWS). Also called: Classic Mowat-Wilson Syndrome. Identifiers: Orphanet 2152, MedGen C1856113, MONDO:0009341, OMIM 235730.

Submission:

Labcorp Genetics (formerly Invitae), Labcorp
Classification: Uncertain significance for Mowat-Wilson syndrome. Last evaluated: 2023-05-20. Review status: criteria provided, single submitter. Criteria: Invitae Variant Classification Sherloc (09022015). Collection method: clinical testing. Allele origin: germline.
Comment: In summary, the available evidence is currently insufficient to determine the role of this variant in disease. Therefore, it has been classified as a Variant of Uncertain Significance. Advanced modeling of protein sequence and biophysical properties (such as structural, functional, and spatial information, amino acid conservation, physicochemical variation, residue mobility, and thermodynamic stability) performed at Invitae indicates that this missense variant is not expected to disrupt ZEB2 protein function. This variant has not been reported in the literature in individuals affected with ZEB2-related conditions. This variant is not present in population databases (gnomAD no frequency). This sequence change replaces alanine, which is neutral and non-polar, with threonine, which is neutral and polar, at codon 1091 of the ZEB2 protein (p.Ala1091Thr).

NM_014795.4(ZEB2):c.3271G>A (p.Ala1091Thr)

Gene: ZEB2 (zinc finger E-box binding homeobox 2; minus strand). Cytogenetic location: 2q22.3.
Variant type: single nucleotide variant.
Coding change: c.3271G>A on transcript NM_014795.4 (MANE Select); coding-DNA position 3271, G replaced by A.
Protein change: p.Ala1091Thr; replaces alanine 1091 with threonine.
Molecular consequence: missense variant.
Genome position (GRCh38, 1-based): chr2:144,389,825, C>T on the plus strand (G>A on the coding strand, the complement: ZEB2 is on the minus strand). VCF-style: chr2-144389825-C-T. GRCh37 (hg19) VCF-style: chr2-145147392-C-T.
Other names: c.3199G>A, p.Ala1067Thr (NM_001171653.2); short protein forms A1091T, A1067T.
Identifiers: ClinVar variation 2866339 (VCV002866339.3), dbSNP rs2549101876, ClinGen allele CA348699914.
Genomic context (GRCh38, chr2:144,389,825, plus strand): 5'-CCCGGTTCATCAGCAGCTCGGTGGGTTCCAAGTGCCCTTTCTCGCGCGCCTCGCGCTCCG[C>T]CGCTTCCCGCTCCTCCGCCTCCCGCTTGCAGTAGGAATACCTGTGATTCATGTGCTGCGA-3'
Protein context (NP_055610.1, residues 1081-1101): CKREAEEREA[Ala1091Thr]EREAREKGHL